The following is an entry in ClinVar:

NM_013245.3(VPS4A):c.1184del (p.Asp395fs)

Gene: VPS4A (vacuolar protein sorting 4 homolog A; plus strand). Cytogenetic location: 16q22.1.
Variant type: Deletion.
Coding change: c.1184del on transcript NM_013245.3 (MANE Select); coding-DNA position 1184, one base deleted (A; older notation c.1184delA).
Protein change: p.Asp395fs; shifts the reading frame from aspartic acid 395.
Molecular consequence: frameshift variant.
Genome position (GRCh38, 1-based): chr16:69,322,672, A deleted. VCF-style (leftmost placement, unchanged base first): chr16-69322671-GA-G. GRCh37 (hg19) VCF-style: chr16-69356574-GA-G.
Other names: short protein forms D395fs.
Identifiers: ClinVar variation 3346667 (VCV003346667.1).
Genomic context (GRCh38, chr16:69,322,671, plus strand): 5'-ACTCCATGCTCACCAGGGGACCCAGGAGCCATGGAGATGACTTGGATGGATGTCCCTGGG[GA>G]CAAACTCTTAGAGCCTGTGGTTTGCATGGTAAGTGACTTGACAGGGGAGGGAAGAGGGCT-3'

ClinVar aggregate classification (germline): Uncertain significance (0 of 4 stars; one submission).

Conditions:
VPS4A-related disorder. Also called: VPS4A-related condition.

Submission:

PreventionGenetics, part of Exact Sciences
Classification: Uncertain significance for VPS4A-related condition. Last evaluated: 2024-09-12. Review status: no assertion criteria provided. Collection method: clinical testing. Allele origin: germline.
Comment: The VPS4A c.1184delA variant is predicted to result in a frameshift and premature protein termination (p.Asp395Alafs*4). To our knowledge, this variant has not been reported in the literature or in a large population database, indicating this variant is rare. Loss of function is not an established mechanism of VPS4A-related disease. At this time, the clinical significance of this variant is uncertain due to the absence of conclusive functional and genetic evidence.